The following is an entry in ClinVar:

ClinVar aggregate classification (germline): Likely pathogenic. Review status: reviewed by expert panel (3 of 4 stars). 2 submissions from 2 submitters: Likely pathogenic (1). 1 of the submissions does not count toward it. Last evaluated 2025-06-30.

Conditions:
RPE65-related recessive retinopathy. Also called: Recessive RPE65 retinopathy. Identifiers: MedGen CN305526, MONDO:0100368.
Leber congenital amaurosis 2 (LCA2). Also called: Autosomal Recessive RPE65-Related Retinal Degeneration; AMAUROSIS CONGENITA OF LEBER II. Identifiers: Orphanet 65, MedGen C1859844, MONDO:0008765, OMIM 204100. Disease mechanism: loss of function.

Submissions (2):

ClinGen Leber Congenital Amaurosis/early Onset Retinal Dystrophy Variant Curation Expert Panel, ClinGen
Classification: Likely pathogenic for RPE65-related recessive retinopathy. Last evaluated: 2025-06-30. Review status: reviewed by expert panel. Criteria: ClinGen LCAeoRD ACMG Specifications RPE65 V1.0.0. Collection method: curation. Allele origin: germline. Inheritance: Autosomal recessive inheritance.
Comment: NM_000329.3(RPE65):c.770T>G (p.Val257Gly) is a missense variant predicted to replace valine with glycine at amino acid p.257. This variant is absent from gnomAD v4.1.0 (PM2_Supporting). This variant has been reported in at least 1 proband with early-onset severe retinal dystrophy who was compound heterozygous with the NM_000329.3(RPE65):c.1102T>C (p.Tyr368His) variant confirmed in trans, which was previously classified pathogenic by the ClinGen LCA / eoRD VCEP (1 total point, PMID: 40087508, PM3). At least one proband harboring this variant exhibits a phenotype including diagnosis of Leber congenital amaurosis (0.5 pts) with onset between birth and age 5 years (1 pt), nystagmus (1 pt), flat electroretinogram responses from both rods (0.5 pts) and cones (1 pt), reduced best-corrected visual acuity (1 pt), and pigmentary retinopathy (0.5 pts), which together are specific for RPE65-related recessive retinopathy (total 5.5 points, PMID: 40087508, PP4). The computational predictor REVEL gives a score of 0.979, which is above the ClinGen LCA / eoRD VCEP threshold of ≥0.773 and predicts a damaging effect on RPE65 function (PP3_Moderate). The splicing impact predictor SpliceAI gives a score of 0.01 for acceptor gain, which is below the ClinGen LCA / eoRD VCEP recommended threshold of ≥0.2 and does not strongly predict an impact on splicing. In summary, this variant meets the criteria to be classified as likely pathogenic for RPE65-related recessive retinopathy based on the ACMG/AMP criteria applied, as specified by the ClinGen LCA/eoRD VCEP: PM2_Supporting, PM3, PP3_Moderate, and PP4. (VCEP specifications version 1.0.0; date of approval 09/21/2023).

Laboratory of Genetics in Ophthalmology, Institut Imagine
Classification: Likely pathogenic for Leber congenital amaurosis 2. Review status: no assertion criteria provided. Collection method: research. Allele origin: inherited. Affected: yes. Observed: 1 variant allele. Not counted in ClinVar's aggregate classification.

NM_000329.3(RPE65):c.770T>G (p.Val257Gly)

Gene: RPE65 (retinoid isomerohydrolase RPE65; minus strand). Cytogenetic location: 1p31.3.
Variant type: single nucleotide variant.
Coding change: c.770T>G on transcript NM_000329.3 (MANE Select); coding-DNA position 770, T replaced by G.
Protein change: p.Val257Gly; replaces valine 257 with glycine.
Molecular consequence: missense variant.
Genome position (GRCh38, 1-based): chr1:68,439,279, A>C on the plus strand (T>G on the coding strand, the complement: RPE65 is on the minus strand). VCF-style: chr1-68439279-A-C. GRCh37 (hg19) VCF-style: chr1-68904962-A-C.
Other names: NM_000329.3(RPE65):c.770T>G; p.Val257Gly; short protein forms V257G.
Identifiers: ClinVar variation 973967 (VCV000973967.2), dbSNP rs1645883131, ClinGen allele CA340745797.
Genomic context (GRCh38, chr1:68,439,279, plus strand): 5'-TCCATGTAGTTGGCTCCCCAAAGACTCCATGAAGAAAGGAACTTGAACAGGTTAATTTTG[A>C]CTGGTGTCTCCACAAAAACGATATAGTTGGGAGTCAGACCAAAACTGTTCAGAAACACAA-3'
Protein context (NP_000320.1, residues 247-267): PNYIVFVETP[Val257Gly]KINLFKFLSS